The following is an entry in ClinVar:

ClinVar aggregate classification (germline): Likely benign. Review status: criteria provided, multiple submitters, no conflicts (2 of 4 stars). 2 submissions from 2 submitters: Likely benign (2). Last evaluated 2026-03-31.

Conditions:
ECEL1-related disorder. Also called: ECEL1-related condition.

Allele frequency attached by ClinVar (database versions not stated): TOPMed 0.00017; 1000 Genomes Project 0.00080; 1000 Genomes Project 30x 0.00187.
gnomAD v4.1: 319 of 1,330,144 alleles (0.024%); highest among the groups gnomAD compares: South Asian, 0.47%; 1 homozygote.

Submissions (2):

PreventionGenetics, part of Exact Sciences
Classification: Likely benign for ECEL1-related condition. Last evaluated: 2026-03-31. Review status: criteria provided, single submitter. Criteria: ACMG Guidelines, 2015. Collection method: clinical testing. Allele origin: germline.
Comment: This variant is classified as likely benign based on ACMG/AMP sequence variant interpretation guidelines (Richards et al. 2015 PMID: 25741868, with internal and published modifications).

CeGaT Center for Human Genetics Tuebingen
Classification: Likely benign. Last evaluated: 2022-08-01. Review status: criteria provided, single submitter. Criteria: CeGaT Center For Human Genetics Tuebingen Variant Classification Criteria Version 2. Collection method: clinical testing. Allele origin: germline. Affected: yes. Observed: 1 variant allele.
Comment: ECEL1: BP4, BP7

NM_004826.4(ECEL1):c.115T>C (p.Leu39=)

Gene: ECEL1 (endothelin converting enzyme like 1; minus strand). Cytogenetic location: 2q37.1.
Variant type: single nucleotide variant.
Coding change: c.115T>C on transcript NM_004826.4 (MANE Select); coding-DNA position 115, T replaced by C.
Protein change: p.Leu39=; no amino-acid change (leucine 39 retained).
Molecular consequence: synonymous variant.
Genome position (GRCh38, 1-based): chr2:232,486,539, A>G on the plus strand (T>C on the coding strand, the complement: ECEL1 is on the minus strand). VCF-style: chr2-232486539-A-G. GRCh37 (hg19) VCF-style: chr2-233351249-A-G.
Other names: c.115T>C, p.Leu39= (NM_001290787.2); c.115T>C (NM_004826.3).
Identifiers: ClinVar variation 2652008 (VCV002652008.25), dbSNP rs560803020, ClinGen allele CA2167637.